The following is an entry in ClinVar:

ClinVar aggregate classification (germline): Likely benign. Review status: criteria provided, multiple submitters, no conflicts (2 of 4 stars). 2 submissions from 2 submitters: Likely benign (2). Last evaluated 2023-08-23.

Conditions:
Malignant hyperthermia, susceptibility to, 1 (MHS1). Also called: Malignant hyperthermia suceptibility 1; RYR1-Related Malignant Hyperthermia Susceptibility; Anesthesia related hyperthermia; Malignant hyperpyrexia; Fulminating hyperpyrexia; Pharmacogenic myopathy. Identifiers: Orphanet 423, MedGen C2930980, MONDO:0007783, OMIM 145600.
RYR1-related disorder. Also called: RYR1-related disorders; RYR1-related condition. Identifiers: MedGen CN239331.

Allele frequency attached by ClinVar (database versions not stated): gnomAD exomes below 0.00001.
gnomAD v4.1: 1 of 1,613,864 alleles (0.000062%); highest among the groups gnomAD compares: Non-Finnish European, 0.000085%; no homozygotes.

Submissions (2):

All of Us Research Program, National Institutes of Health
Classification: Likely benign for Malignant hyperthermia, susceptibility to, 1. Last evaluated: 2023-08-23. Review status: criteria provided, single submitter. Criteria: ACMG Guidelines, 2015. Collection method: clinical testing. Allele origin: germline. Inheritance: Autosomal dominant inheritance. Observed: 1 variant allele, 1 heterozygote.
Comment: This study involves interpretation of variants in research participants for the purpose of population health screening. Participant phenotype was not available at the time of variant classification. Additional details can be found in publication PMID: 35346344, PMCID: PMC8962531

Labcorp Genetics (formerly Invitae), Labcorp
Classification: Likely benign for RYR1-related disorder. Last evaluated: 2023-02-11. Review status: criteria provided, single submitter. Criteria: Invitae Variant Classification Sherloc (09022015). Collection method: clinical testing. Allele origin: germline.

NM_000540.3(RYR1):c.609C>A (p.Pro203=)

Gene: RYR1 (ryanodine receptor 1; plus strand). Cytogenetic location: 19q13.2.
Variant type: single nucleotide variant.
Coding change: c.609C>A on transcript NM_000540.3 (MANE Select); coding-DNA position 609, C replaced by A.
Protein change: p.Pro203=; no amino-acid change (proline 203 retained).
Molecular consequence: synonymous variant.
Genome position (GRCh38, 1-based): chr19:38,444,655, C>A. VCF-style: chr19-38444655-C-A. GRCh37 (hg19) VCF-style: chr19-38935295-C-A.
Other names: c.609C>A, p.Pro203= (NM_001042723.2).
Identifiers: ClinVar variation 2969333 (VCV002969333.4), dbSNP rs2513977854, ClinGen allele CA507240851.